The following is an entry in ClinVar:

NM_201384.3(PLEC):c.3192C>T (p.Arg1064=)

Gene: PLEC (plectin; minus strand). Cytogenetic location: 8q24.3.
Variant type: single nucleotide variant.
Coding change: c.3192C>T on transcript NM_201384.3 (MANE Select); coding-DNA position 3192, C replaced by T.
Protein change: p.Arg1064=; no amino-acid change (arginine 1064 retained).
Molecular consequence: synonymous variant.
Genome position (GRCh38, 1-based): chr8:143,929,171, G>A on the plus strand (C>T on the coding strand, the complement: PLEC is on the minus strand). VCF-style: chr8-143929171-G-A. GRCh37 (hg19) VCF-style: chr8-145003339-G-A.
Other names: p.Arg1050=; c.3273C>T, p.Arg1091= (NM_000445.5); c.3150C>T, p.Arg1050= (NM_201378.4); c.3126C>T, p.Arg1042= (NM_201379.3); c.3603C>T, p.Arg1201= (NM_201380.4); c.3096C>T, p.Arg1032= (NM_201381.3); c.3192C>T, p.Arg1064= (NM_201382.4); c.3204C>T, p.Arg1068= (NM_201383.3).
Identifiers: ClinVar variation 129943 (VCV000129943.23), dbSNP rs73377210, ClinGen allele CA154510.
Genomic context (GRCh38, chr8:143,929,171, plus strand): 5'-GTAGATGGCAGACAGGCTGCGGACCTGCTCCAGCTTGCCCAGCGTCAGCTCCAGCTCCGA[G>A]CGCAGCGTGGGGGCCGCAGGCGATGGCTCTGGTAGGGCCAAGACCTTCTCGGCCTCGGCA-3'
Protein context (NP_958786.1, residues 1054-1074): PEPSPAAPTL[Arg1064=]SELELTLGKL

ClinVar aggregate classification (germline): Benign. Review status: criteria provided, multiple submitters, no conflicts (2 of 4 stars). 7 submissions from 7 submitters: Benign (6). 1 of the submissions does not count toward it. Last evaluated 2026-01-26.

Conditions:
Epidermolysis bullosa simplex 5C, with pyloric atresia (EBS5C). Also called: PLEC-Related Epidermolysis Bullosa with Pyloric Atresia; Epidermolysis bullosa simplex with pyloric atresia; PLEC1-Related Epidermolysis Bullosa with Pyloric Atresia. Identifiers: Orphanet 158684, MedGen C2677349, MONDO:0012807, OMIM 612138.
Autosomal recessive limb-girdle muscular dystrophy type 2Q (LGMDR17). Also called: MUSCULAR DYSTROPHY, LIMB-GIRDLE, AUTOSOMAL RECESSIVE 17. Identifiers: Orphanet 254361, MedGen C3150989, MONDO:0013390, OMIM 613723.
Epidermolysis bullosa simplex with nail dystrophy (EBS5D). Identifiers: MedGen C4225309, MONDO:0014661, OMIM 616487.
Epidermolysis bullosa simplex 5B, with muscular dystrophy (EBS5B). Also called: Epidermolysis bullosa simplex with muscular dystrophy; EPIDERMOLYSIS BULLOSA SIMPLEX AND LIMB-GIRDLE MUSCULAR DYSTROPHY. Identifiers: Orphanet 257, MedGen C2931072, MONDO:0009181, OMIM 226670.
Epidermolysis bullosa simplex, Ogna type (EBS5A). Also called: Pidermolysis bullosa simplex 5A, Ogna type; EPIDERMOLYSIS BULLOSA SIMPLEX 5A, OGNA TYPE. Identifiers: Orphanet 79401, MedGen C0432317, MONDO:0007555, OMIM 131950.

Allele frequency attached by ClinVar (database versions not stated): gnomAD exomes 0.00108 and 0.00248; ExAC 0.00594; 1000 Genomes Project 30x 0.00953; 1000 Genomes Project 0.00958; gnomAD 0.01020 and 0.01114; ESP Exome Variant Server 0.01112; TOPMed 0.01213.
gnomAD v4.1: 3,157 of 1,595,606 alleles (0.2%); highest among the groups gnomAD compares: African/African-American, 3.8%; 77 homozygotes.

Submissions (7):

Labcorp Genetics (formerly Invitae), Labcorp
Classification: Benign for Autosomal recessive limb-girdle muscular dystrophy type 2Q; Epidermolysis bullosa simplex, Ogna type; Epidermolysis bullosa simplex with nail dystrophy; Epidermolysis bullosa simplex 5C, with pyloric atresia; Epidermolysis bullosa simplex 5B, with muscular dystrophy. Last evaluated: 2026-01-26. Review status: criteria provided, single submitter. Criteria: Invitae Variant Classification Sherloc (09022015). Collection method: clinical testing. Allele origin: germline.

Athena Diagnostics
Classification: Benign. Last evaluated: 2024-10-31. Review status: criteria provided, single submitter. Criteria: Athena Diagnostics Criteria. Collection method: clinical testing. Allele origin: unknown.

Mayo Clinic Laboratories, Mayo Clinic
Classification: Benign. Last evaluated: 2024-04-09. Review status: criteria provided, single submitter. Criteria: ACMG Guidelines, 2015. Collection method: clinical testing. Allele origin: germline. Observed: 9 variant alleles.
Comment: BS1, BS2, BP4, BP7

GeneDx
Classification: Benign. Last evaluated: 2016-08-31. Review status: criteria provided, single submitter. Criteria: GeneDx Variant Classification (06012015). Collection method: clinical testing. Allele origin: germline. Affected: yes.
Comment: This variant is considered likely benign or benign based on one or more of the following criteria: it is a conservative change, it occurs at a poorly conserved position in the protein, it is predicted to be benign by multiple in silico algorithms, and/or has population frequency not consistent with disease.

Eurofins Ntd Llc (ga)
Classification: Benign. Last evaluated: 2016-02-09. Review status: criteria provided, single submitter. Criteria: EGL Classification Definitions 2015. Collection method: clinical testing. Allele origin: germline. Observed: 9 variant alleles, 9 heterozygotes.

Breakthrough Genomics
Classification: Benign. Review status: criteria provided, single submitter. Criteria: ACMG Guidelines, 2015. Collection method: not provided. Allele origin: germline. Inheritance: Autosomal recessive inheritance. Affected: yes.

Genetic Services Laboratory, University of Chicago
Classification: Likely benign for AllHighlyPenetrant. Review status: no assertion criteria provided. Collection method: clinical testing. Allele origin: germline. Inheritance: Autosomal recessive inheritance. Not counted in ClinVar's aggregate classification.
Comment: Likely benign based on allele frequency in 1000 Genomes Project or ESP global frequency and its presence in a patient with a rare or unrelated disease phenotype. NOT Sanger confirmed.